The following is an entry in ClinVar:

NM_000342.4(SLC4A1):c.1574C>T (p.Ser525Phe)

Gene: SLC4A1 (solute carrier family 4 member 1 (Diego blood group); minus strand). Cytogenetic location: 17q21.31.
Variant type: single nucleotide variant.
Coding change: c.1574C>T on transcript NM_000342.4 (MANE Select); coding-DNA position 1574, C replaced by T.
Protein change: p.Ser525Phe; replaces serine 525 with phenylalanine.
Molecular consequence: missense variant.
Genome position (GRCh38, 1-based): chr17:44,257,402, G>A on the plus strand (C>T on the coding strand, the complement: SLC4A1 is on the minus strand). VCF-style: chr17-44257402-G-A. GRCh37 (hg19) VCF-style: chr17-42334770-G-A.
Other names: short protein forms S525F.
Identifiers: ClinVar variation 438691 (VCV000438691.6), dbSNP rs1555596013, ClinGen allele CA399785265.
Genomic context (GRCh38, chr17:44,257,402, plus strand): 5'-GCCCCCACCTTGATCAGCTTGGAGAAAGTCTCATAGATGAAGATGAGGGAAATGAGGAAG[G>A]AGAAGATCTCCTGGGTATAGCGGGAGATGAAGCGGACCAGGAAGCTACCCTCGAAGGCCA-3'
Protein context (NP_000333.1, residues 515-535): FISRYTQEIF[Ser525Phe]FLISLIFIYE

ClinVar aggregate classification (germline): Uncertain significance. Review status: criteria provided, single submitter (1 of 4 stars). 2 submissions from 2 submitters: Uncertain significance (1). 1 of the submissions does not count toward it. Last evaluated 2022-02-17.

Conditions:
Autosomal dominant distal renal tubular acidosis (DRTA1). Also called: Renal Tubular Acidosis, Type I; RENAL TUBULAR ACIDOSIS, DISTAL, 1; RTA, CLASSIC TYPE; RTA, DISTAL TYPE, AUTOSOMAL DOMINANT; RTA, GRADIENT TYPE. Identifiers: Orphanet 93608, MedGen CN280572, MONDO:0008368, OMIM 179800.

Submissions (2):

Labcorp Genetics (formerly Invitae), Labcorp
Classification: Uncertain significance. Last evaluated: 2022-02-17. Review status: criteria provided, single submitter. Criteria: Invitae Variant Classification Sherloc (09022015). Collection method: clinical testing. Allele origin: germline.
Comment: This variant has not been reported in the literature in individuals affected with SLC4A1-related conditions. ClinVar contains an entry for this variant (Variation ID: 438691). Algorithms developed to predict the effect of missense changes on protein structure and function are either unavailable or do not agree on the potential impact of this missense change (SIFT: "Deleterious"; PolyPhen-2: "Probably Damaging"; Align-GVGD: "Class C15"). Algorithms developed to predict the effect of sequence changes on RNA splicing suggest that this variant is not likely to affect RNA splicing. In summary, the available evidence is currently insufficient to determine the role of this variant in disease. Therefore, it has been classified as a Variant of Uncertain Significance. This variant is not present in population databases (gnomAD no frequency). This sequence change replaces serine, which is neutral and polar, with phenylalanine, which is neutral and non-polar, at codon 525 of the SLC4A1 protein (p.Ser525Phe).

Bioscientia Institut fuer Medizinische Diagnostik GmbH, Sonic Healthcare
Classification: Uncertain significance for Autosomal dominant distal renal tubular acidosis. Last evaluated: 2017-04-20. Review status: no assertion criteria provided. Collection method: clinical testing. Allele origin: germline. Affected: yes. Not counted in ClinVar's aggregate classification.